The following is an entry in ClinVar:

ClinVar aggregate classification (germline): Uncertain significance. Review status: criteria provided, multiple submitters, no conflicts (2 of 4 stars). 2 submissions from 2 submitters: Uncertain significance (2). Last evaluated 2023-12-13.

Allele frequency attached by ClinVar (database versions not stated): TOPMed 0.00002; ExAC 0.00005.
gnomAD v4.1: 5 of 1,614,080 alleles (0.00031%); highest among the groups gnomAD compares: East Asian, 0.011%; no homozygotes.

Submissions (2):

Ambry Genetics
Classification: Uncertain significance. Last evaluated: 2023-12-13. Review status: criteria provided, single submitter. Criteria: Ambry Variant Classification Scheme 2023. Collection method: clinical testing. Allele origin: germline.

Labcorp Genetics (formerly Invitae), Labcorp
Classification: Uncertain significance. Last evaluated: 2022-06-14. Review status: criteria provided, single submitter. Criteria: Invitae Variant Classification Sherloc (09022015). Collection method: clinical testing. Allele origin: germline.
Comment: This variant has not been reported in the literature in individuals affected with HMCN1-related conditions. In summary, the available evidence is currently insufficient to determine the role of this variant in disease. Therefore, it has been classified as a Variant of Uncertain Significance. Algorithms developed to predict the effect of missense changes on protein structure and function (SIFT, PolyPhen-2, Align-GVGD) all suggest that this variant is likely to be tolerated. This variant is present in population databases (rs748094864, gnomAD 0.03%). This sequence change replaces threonine, which is neutral and polar, with serine, which is neutral and polar, at codon 3625 of the HMCN1 protein (p.Thr3625Ser).

NM_031935.3(HMCN1):c.10874C>G (p.Thr3625Ser)

Gene: HMCN1 (hemicentin 1; plus strand). Cytogenetic location: 1q31.1.
Variant type: single nucleotide variant.
Coding change: c.10874C>G on transcript NM_031935.3 (MANE Select); coding-DNA position 10874, C replaced by G.
Protein change: p.Thr3625Ser; replaces threonine 3625 with serine.
Molecular consequence: missense variant.
Genome position (GRCh38, 1-based): chr1:186,108,482, C>G. VCF-style: chr1-186108482-C-G. GRCh37 (hg19) VCF-style: chr1-186077614-C-G.
Other names: c.10874C>G (NM_031935.2); short protein forms T3625S.
Identifiers: ClinVar variation 1927334 (VCV001927334.6), dbSNP rs748094864, ClinGen allele CA1293849.